The following is an entry in ClinVar:

NM_001379500.1(COL18A1):c.2264C>G (p.Ser755Cys)

Gene: COL18A1 (collagen type XVIII alpha 1 chain; plus strand). Cytogenetic location: 21q22.3.
Variant type: single nucleotide variant.
Coding change: c.2264C>G on transcript NM_001379500.1 (MANE Select); coding-DNA position 2264, C replaced by G.
Protein change: p.Ser755Cys; replaces serine 755 with cysteine.
Molecular consequence: missense variant.
Genome position (GRCh38, 1-based): chr21:45,493,212, C>G. VCF-style: chr21-45493212-C-G. GRCh37 (hg19) VCF-style: chr21-46913126-C-G.
Other names: c.2804C>G, p.Ser935Cys (NM_030582.4); c.3509C>G, p.Ser1170Cys (NM_130444.3); short protein forms S755C, S935C, S1170C.
Identifiers: ClinVar variation 1427304 (VCV001427304.6), dbSNP rs1286447971, ClinGen allele CA410497341.

ClinVar aggregate classification (germline): Uncertain significance (1 of 4 stars; one submission).

Submission:

Labcorp Genetics (formerly Invitae), Labcorp
Classification: Uncertain significance. Last evaluated: 2022-07-19. Review status: criteria provided, single submitter. Criteria: Invitae Variant Classification Sherloc (09022015). Collection method: clinical testing. Allele origin: germline.
Comment: In summary, the available evidence is currently insufficient to determine the role of this variant in disease. Therefore, it has been classified as a Variant of Uncertain Significance. Experimental studies and prediction algorithms are not available or were not evaluated, and the functional significance of this variant is currently unknown. ClinVar contains an entry for this variant (Variation ID: 1427304). This variant has not been reported in the literature in individuals affected with COL18A1-related conditions. This variant is not present in population databases (gnomAD no frequency). This sequence change replaces serine with cysteine at codon 755 of the COL18A1 protein (p.Ser755Cys). There is a moderate physicochemical difference between serine and cysteine.